The following is an entry in ClinVar:

NM_005045.4(RELN):c.3217T>G (p.Phe1073Val)

Gene: RELN (reelin; minus strand). Cytogenetic location: 7q22.1.
Variant type: single nucleotide variant.
Coding change: c.3217T>G on transcript NM_005045.4 (MANE Select); coding-DNA position 3217, T replaced by G.
Protein change: p.Phe1073Val; replaces phenylalanine 1073 with valine.
Molecular consequence: missense variant.
Genome position (GRCh38, 1-based): chr7:103,603,420, A>C on the plus strand (T>G on the coding strand, the complement: RELN is on the minus strand). VCF-style: chr7-103603420-A-C. GRCh37 (hg19) VCF-style: chr7-103243867-A-C.
Other names: c.3217T>G, p.Phe1073Val (NM_173054.3); short protein forms F1073V.
Identifiers: ClinVar variation 836391 (VCV000836391.8), dbSNP rs1402561512, ClinGen allele CA368763221.
Genomic context (GRCh38, chr7:103,603,420, plus strand): 5'-TTACAATTTCTCCCCCAATAACTTCTTGCCAGTCAGACTCCCAGCCATTCTGGTTCTCAA[A>C]ATCTGACATAATTGTGGACGGAAGGGCAGCTTCTGGGTGGCATTCAGTGCCTTGGTACCC-3'
Protein context (NP_005036.2, residues 1063-1083): AALPSTIMSD[Phe1073Val]ENQNGWESDW

ClinVar aggregate classification (germline): Uncertain significance. Review status: criteria provided, multiple submitters, no conflicts (2 of 4 stars). 2 submissions from 2 submitters: Uncertain significance (2). Last evaluated 2025-08-25.

Conditions:
Inborn genetic diseases. Identifiers: MedGen C0950123, MeSH D030342.
Norman-Roberts syndrome (LIS2). Also called: Lissencephaly 2 (Norman-Roberts type). Identifiers: Orphanet 89844, MedGen C0796089, MONDO:0009760, OMIM 257320.
Familial temporal lobe epilepsy 7. Identifiers: Orphanet 101046, MedGen C4225327, MONDO:0014639, OMIM 616436.

Allele frequency attached by ClinVar (database versions not stated): gnomAD exomes below 0.00001 and 0.00001; TOPMed 0.00001; gnomAD 0.00002 and 0.00003.
gnomAD v4.1: 12 of 1,613,742 alleles (0.00074%); highest among the groups gnomAD compares: African/African-American, 0.0027%; no homozygotes.

Submissions (2):

Labcorp Genetics (formerly Invitae), Labcorp
Classification: Uncertain significance for Familial temporal lobe epilepsy 7; Norman-Roberts syndrome. Last evaluated: 2025-08-25. Review status: criteria provided, single submitter. Criteria: Invitae Variant Classification Sherloc (09022015). Collection method: clinical testing. Allele origin: germline.
Comment: This sequence change replaces phenylalanine, which is neutral and non-polar, with valine, which is neutral and non-polar, at codon 1073 of the RELN protein (p.Phe1073Val). This variant is present in population databases (no rsID available, gnomAD 0.004%). This variant has not been reported in the literature in individuals affected with RELN-related conditions. ClinVar contains an entry for this variant (Variation ID: 836391). Invitae Evidence Modeling of protein sequence and biophysical properties (such as structural, functional, and spatial information, amino acid conservation, physicochemical variation, residue mobility, and thermodynamic stability) has been performed for this missense variant. However, the output from this modeling did not meet the statistical confidence thresholds required to predict the impact of this variant on RELN protein function. In summary, the available evidence is currently insufficient to determine the role of this variant in disease. Therefore, it has been classified as a Variant of Uncertain Significance.

Ambry Genetics
Classification: Uncertain significance for Inborn genetic diseases. Last evaluated: 2024-12-03. Review status: criteria provided, single submitter. Criteria: Ambry Variant Classification Scheme 2023. Collection method: clinical testing. Allele origin: germline.